The following is an entry in ClinVar:

NM_001009999.3(KDM1A):c.1593A>T (p.Lys531Asn)

Gene: KDM1A (lysine demethylase 1A; plus strand). Cytogenetic location: 1p36.12.
Variant type: single nucleotide variant.
Coding change: c.1593A>T on transcript NM_001009999.3 (MANE Select); coding-DNA position 1593, A replaced by T.
Protein change: p.Lys531Asn; replaces lysine 531 with asparagine.
Molecular consequence: missense variant.
Genome position (GRCh38, 1-based): chr1:23,072,168, A>T. VCF-style: chr1-23072168-A-T. GRCh37 (hg19) VCF-style: chr1-23398661-A-T.
Other names: c.1521A>T, p.Lys507Asn (NM_001363654.2, NM_001410763.1, NM_015013.4); c.1581A>T, p.Lys527Asn (NM_001410762.1); short protein forms K507N, K531N, K527N.
Identifiers: ClinVar variation 4042071 (VCV004042071.1).

ClinVar aggregate classification (germline): Uncertain significance (1 of 4 stars; one submission).

Conditions:
Inborn genetic diseases. Identifiers: MedGen C0950123, MeSH D030342.

Submission:

Ambry Genetics
Classification: Uncertain significance for Inborn genetic diseases. Last evaluated: 2025-03-29. Review status: criteria provided, single submitter. Criteria: Ambry Variant Classification Scheme 2023. Collection method: clinical testing. Allele origin: germline.
Comment: The p.K531N variant (also known as c.1593A>T), located in coding exon 14 of the KDM1A gene, results from an A to T substitution at nucleotide position 1593. The lysine at codon 531 is replaced by asparagine, an amino acid with similar properties. This amino acid position is conserved. In addition, this alteration is predicted to be tolerated by in silico analysis. Based on the available evidence, the clinical significance of this variant remains unclear.